The following is an entry in ClinVar:

ClinVar aggregate classification (germline): Likely benign (0 of 4 stars; one submission).

Conditions:
CD2AP-related disorder. Also called: CD2AP-related condition.

Allele frequency attached by ClinVar (database versions not stated): TOPMed 0.00001; gnomAD 0.00003.
gnomAD v4.1: 5 of 1,611,226 alleles (0.00031%); highest among the groups gnomAD compares: African/African-American, 0.0067%; no homozygotes.

Submission:

PreventionGenetics, part of Exact Sciences
Classification: Likely benign for CD2AP-related condition. Last evaluated: 2020-11-16. Review status: no assertion criteria provided. Collection method: clinical testing. Allele origin: germline.
Comment: This variant is classified as likely benign based on ACMG/AMP sequence variant interpretation guidelines (Richards et al. 2015 PMID: 25741868, with internal and published modifications).

NM_012120.3(CD2AP):c.1407C>T (p.Ser469=)

Gene: CD2AP (CD2 associated protein; plus strand). Cytogenetic location: 6p12.3.
Variant type: single nucleotide variant.
Coding change: c.1407C>T on transcript NM_012120.3 (MANE Select); coding-DNA position 1407, C replaced by T.
Protein change: p.Ser469=; no amino-acid change (serine 469 retained).
Molecular consequence: synonymous variant.
Genome position (GRCh38, 1-based): chr6:47,599,433, C>T. VCF-style: chr6-47599433-C-T. GRCh37 (hg19) VCF-style: chr6-47567169-C-T.
Identifiers: ClinVar variation 3031207 (VCV003031207.2), dbSNP rs1202214767, ClinGen allele CA450393931.